The following is an entry in ClinVar:

NM_022168.4(IFIH1):c.1220G>A (p.Cys407Tyr)

Gene: IFIH1 (interferon induced with helicase C domain 1; minus strand). Cytogenetic location: 2q24.2.
Variant type: single nucleotide variant.
Coding change: c.1220G>A on transcript NM_022168.4 (MANE Select); coding-DNA position 1220, G replaced by A.
Protein change: p.Cys407Tyr; replaces cysteine 407 with tyrosine.
Molecular consequence: missense variant.
Genome position (GRCh38, 1-based): chr2:162,282,452, C>T on the plus strand (G>A on the coding strand, the complement: IFIH1 is on the minus strand). VCF-style: chr2-162282452-C-T. GRCh37 (hg19) VCF-style: chr2-163138962-C-T.
Other names: short protein forms C407Y.
Identifiers: ClinVar variation 2300626 (VCV002300626.5), dbSNP rs1373494663, ClinGen allele CA349002826.

ClinVar aggregate classification (germline): Conflicting classifications of pathogenicity. Review status: criteria provided, conflicting classifications (1 of 4 stars). 2 submissions from 2 submitters: Uncertain significance (1); Likely benign (1). Last evaluated 2024-05-15.

Conditions:
Singleton-Merten syndrome 1 (SGMRT1). Also called: Widened medullary cavities of bone, aortic calcification, abnormal dentition, and muscular weakness; Syndrome of widened medullary cavities of the metacarpals and phalanges, aortic calcification and abnormal dentition. Identifiers: Orphanet 85191, MedGen C4225427, MONDO:0024535, OMIM 182250.
Aicardi-Goutieres syndrome 7 (AGS7). Identifiers: Orphanet 51, MedGen C3888244, MONDO:0014367, OMIM 615846.
Inborn genetic diseases. Identifiers: MedGen C0950123, MeSH D030342.

Allele frequency attached by ClinVar (database versions not stated): TOPMed below 0.00001.

Submissions (2):

Labcorp Genetics (formerly Invitae), Labcorp
Classification: Uncertain significance for Aicardi-Goutieres syndrome 7; Singleton-Merten syndrome 1. Last evaluated: 2024-05-15. Review status: criteria provided, single submitter. Criteria: Invitae Variant Classification Sherloc (09022015). Collection method: clinical testing. Allele origin: germline.
Comment: This sequence change replaces cysteine, which is neutral and slightly polar, with tyrosine, which is neutral and polar, at codon 407 of the IFIH1 protein (p.Cys407Tyr). This variant is not present in population databases (gnomAD no frequency). This variant has not been reported in the literature in individuals affected with IFIH1-related conditions. ClinVar contains an entry for this variant (Variation ID: 2300626). Algorithms developed to predict the effect of missense changes on protein structure and function output the following: SIFT: "Not Available"; PolyPhen-2: "Benign"; Align-GVGD: "Not Available". The tyrosine amino acid residue is found in multiple mammalian species, which suggests that this missense change does not adversely affect protein function. In summary, the available evidence is currently insufficient to determine the role of this variant in disease. Therefore, it has been classified as a Variant of Uncertain Significance.

Ambry Genetics
Classification: Likely benign for Inborn genetic diseases. Last evaluated: 2022-07-12. Review status: criteria provided, single submitter. Criteria: Ambry Variant Classification Scheme 2023. Collection method: clinical testing. Allele origin: germline.